The following is an entry in ClinVar:

NM_001282874.2(SMARCA1):c.2587C>T (p.Arg863Ter)

Gene: SMARCA1 (SNF2 related chromatin remodeling ATPase 1; minus strand). Cytogenetic location: Xq25.
Variant type: single nucleotide variant.
Coding change: c.2587C>T on transcript NM_001282874.2 (MANE Select); coding-DNA position 2587, C replaced by T.
Protein change: p.Arg863Ter; replaces arginine 863 with a stop codon.
Molecular consequence: nonsense.
Genome position (GRCh38, 1-based): chrX:129,468,884, G>A on the plus strand (C>T on the coding strand, the complement: SMARCA1 is on the minus strand). VCF-style: chrX-129468884-G-A. GRCh37 (hg19) VCF-style: chrX-128602861-G-A.
Other names: c.2551C>T, p.Arg851Ter (NM_001282875.2, NM_001378262.1, NM_001378263.1 and 1 more transcripts); c.2587C>T, p.Arg863Ter (NM_001378261.1, NM_003069.5); short protein forms R851*, R863*.
Identifiers: ClinVar variation 3899534 (VCV003899534.1).

ClinVar aggregate classification (germline): Uncertain significance (1 of 4 stars; one submission).

Submission:

GeneDx
Classification: Uncertain significance. Last evaluated: 2024-04-10. Review status: criteria provided, single submitter. Criteria: GeneDx Variant Classification Process June 2021. Collection method: clinical testing. Allele origin: germline. Affected: yes.
Comment: Nonsense variant predicted to result in protein truncation or nonsense mediated decay in a gene or region of a gene for which loss of function is not a well-established mechanism of disease; Has not been previously published as pathogenic or benign to our knowledge; Not observed at significant frequency in large population cohorts (gnomAD); Variants in candidate genes are classified as variants of uncertain significance in accordance with ACMG guidelines (PMID: 25741868)